The following is an entry in ClinVar:

ClinVar aggregate classification (germline): Likely benign (1 of 4 stars; one submission).

gnomAD v4.1: 37 of 1,583,368 alleles (0.0023%); highest among the groups gnomAD compares: East Asian, 0.037%; no homozygotes.

Submission:

CeGaT Center for Human Genetics Tuebingen
Classification: Likely benign. Last evaluated: 2026-07-01. Review status: criteria provided, single submitter. Criteria: CeGaT Center For Human Genetics Tuebingen Variant Classification Criteria Version 2. Collection method: clinical testing. Allele origin: germline. Affected: yes. Observed: 1 variant allele.
Comment: SLC26A1: BP4, BP7

NM_022042.4(SLC26A1):c.1911C>T (p.Tyr637=)

Genes: IDUA (alpha-L-iduronidase; plus strand), SLC26A1 (solute carrier family 26 member 1; minus strand). Cytogenetic location: 4p16.3.
Variant type: single nucleotide variant.
Coding change: c.1911C>T on transcript NM_022042.4 (MANE Select); coding-DNA position 1911, C replaced by T.
Protein change: p.Tyr637=; no amino-acid change (tyrosine 637 retained).
Molecular consequence: synonymous variant. On other transcripts: intron variant (2).
Genome position (GRCh38, 1-based): chr4:989,028, G>A on the plus strand (C>T on the coding strand, the complement: SLC26A1 is on the minus strand). VCF-style: chr4-989028-G-A. GRCh37 (hg19) VCF-style: chr4-982816-G-A.
Other names: c.1911C>T, p.Tyr637= (NM_213613.4); c.576+2100C>T (NM_134425.4); c.299+1079G>A (NM_000203.5).
Identifiers: ClinVar variation 5038650 (VCV005038650.1).